The following is an entry in ClinVar:

NM_014822.4(SEC24D):c.649G>A (p.Gly217Ser)

Gene: SEC24D (SEC24 homolog D, COPII component; minus strand). Cytogenetic location: 4q26.
Variant type: single nucleotide variant.
Coding change: c.649G>A on transcript NM_014822.4 (MANE Select); coding-DNA position 649, G replaced by A.
Protein change: p.Gly217Ser; replaces glycine 217 with serine.
Molecular consequence: missense variant.
Genome position (GRCh38, 1-based): chr4:118,815,475, C>T on the plus strand (G>A on the coding strand, the complement: SEC24D is on the minus strand). VCF-style: chr4-118815475-C-T. GRCh37 (hg19) VCF-style: chr4-119736630-C-T.
Other names: c.649G>A, p.Gly217Ser (NM_001318066.2); c.649G>A (NM_014822.2); short protein forms G217S.
Identifiers: ClinVar variation 2195463 (VCV002195463.3), dbSNP rs145115129, ClinGen allele CA3057494.

ClinVar aggregate classification (germline): Uncertain significance. Review status: criteria provided, multiple submitters, no conflicts (2 of 4 stars). 2 submissions from 2 submitters: Uncertain significance (2). Last evaluated 2025-08-11.

Conditions:
Inborn genetic diseases. Identifiers: MedGen C0950123, MeSH D030342.

Allele frequency attached by ClinVar (database versions not stated): ExAC 0.00011; ESP Exome Variant Server 0.00015; gnomAD 0.00030; TOPMed 0.00035; 1000 Genomes Project 0.00060; 1000 Genomes Project 30x 0.00062.

Submissions (2):

Ambry Genetics
Classification: Uncertain significance for Inborn genetic diseases. Last evaluated: 2025-08-11. Review status: criteria provided, single submitter. Criteria: Ambry Variant Classification Scheme 2023. Collection method: clinical testing. Allele origin: germline.

Labcorp Genetics (formerly Invitae), Labcorp
Classification: Uncertain significance. Last evaluated: 2024-12-09. Review status: criteria provided, single submitter. Criteria: Invitae Variant Classification Sherloc (09022015). Collection method: clinical testing. Allele origin: germline.
Comment: This sequence change replaces glycine, which is neutral and non-polar, with serine, which is neutral and polar, at codon 217 of the SEC24D protein (p.Gly217Ser). This variant is present in population databases (rs145115129, gnomAD 0.1%). This variant has not been reported in the literature in individuals affected with SEC24D-related conditions. ClinVar contains an entry for this variant (Variation ID: 2195463). An algorithm developed to predict the effect of missense changes on protein structure and function (PolyPhen-2) suggests that this variant¬†is likely to be tolerated. In summary, the available evidence is currently insufficient to determine the role of this variant in disease. Therefore, it has been classified as a Variant of Uncertain Significance.